The following is an entry in ClinVar:

NM_004656.4(BAP1):c.1194_1199del (p.Glu398_Asp399del)

Gene: BAP1 (BRCA1 associated deubiquitinase 1; minus strand). Cytogenetic location: 3p21.1.
Variant type: Deletion.
Coding change: c.1194_1199del on transcript NM_004656.4 (MANE Select); coding-DNA positions 1194 to 1199, 6 bases deleted (GGATGA; older notation c.1194_1199delGGATGA).
Protein change: p.Glu398_Asp399del.
Molecular consequence: inframe deletion.
Genome position (GRCh38, 1-based): chr3:52,404,504-52,404,509, TCATCC deleted on the plus strand (GGATGA on the coding strand, the reverse complement: BAP1 is on the minus strand); deleting any 6 consecutive bases within chr3:52,404,504-52,404,514 gives the same sequence; the c. name uses the placement nearest the transcript's 3' end. VCF-style (leftmost placement, unchanged base first): chr3-52404503-GTCATCC-G. GRCh37 (hg19) VCF-style: chr3-52438519-GTCATCC-G.
Other names: c.1140_1145del, p.Glu380_Asp381del (NM_001410772.1).
Identifiers: ClinVar variation 4713078 (VCV004713078.1).

ClinVar aggregate classification (germline): Uncertain significance (1 of 4 stars; one submission).

Conditions:
BAP1-related tumor predisposition syndrome (TPDS1). Also called: COMMON Syndrome; TUMOR PREDISPOSITION SYNDROME 1; Tumor susceptibility linked to germline BAP1 mutations; BAP1 tumor predisposition syndrome. Identifiers: Orphanet 289539, MedGen C3280492, MONDO:0013692, OMIM 614327.

Submission:

Labcorp Genetics (formerly Invitae), Labcorp
Classification: Uncertain significance for BAP1-related tumor predisposition syndrome. Last evaluated: 2025-02-15. Review status: criteria provided, single submitter. Criteria: Invitae Variant Classification Sherloc (09022015). Collection method: clinical testing. Allele origin: germline.
Comment: This variant, c.1194_1199del, results in the deletion of 2 amino acid(s) of the BAP1 protein (p.Glu398_Asp399del), but otherwise preserves the integrity of the reading frame. This variant is not present in population databases (gnomAD no frequency). This variant has not been reported in the literature in individuals affected with BAP1-related conditions. Experimental studies and prediction algorithms are not available or were not evaluated, and the functional significance of this variant is currently unknown. In summary, the available evidence is currently insufficient to determine the role of this variant in disease. Therefore, it has been classified as a Variant of Uncertain Significance.